The following is an entry in ClinVar:

ClinVar aggregate classification (germline): Uncertain significance (1 of 4 stars; one submission).

Conditions:
Adenylosuccinate lyase deficiency (ADSLD). Also called: ADSL DEFICIENCY. Identifiers: Orphanet 46, MedGen C0268126, MONDO:0007068, OMIM 103050.

Submission:

Labcorp Genetics (formerly Invitae), Labcorp
Classification: Uncertain significance for Adenylosuccinate lyase deficiency. Last evaluated: 2021-09-10. Review status: criteria provided, single submitter. Criteria: Invitae Variant Classification Sherloc (09022015). Collection method: clinical testing. Allele origin: germline.
Comment: In summary, the available evidence is currently insufficient to determine the role of this variant in disease. Therefore, it has been classified as a Variant of Uncertain Significance. Nucleotide substitutions within the consensus splice site are a relatively common cause of aberrant splicing (PMID: 17576681, 9536098). Algorithms developed to predict the effect of sequence changes on RNA splicing suggest that this variant may disrupt the consensus splice site, but this prediction has not been confirmed by published transcriptional studies. This variant has not been reported in the literature in individuals with ADSL-related conditions. This variant is not present in population databases (ExAC no frequency). This sequence change falls in intron 7 of the ADSL gene. It does not directly change the encoded amino acid sequence of the ADSL protein. It affects a nucleotide within the consensus splice site of the intron.

Literature cited by the submitters: PubMed 17576681; PubMed 9536098.

NM_000026.4(ADSL):c.792+5G>C

Gene: ADSL (adenylosuccinate lyase; plus strand). Cytogenetic location: 22q13.1.
Variant type: single nucleotide variant.
Coding change: c.792+5G>C on transcript NM_000026.4 (MANE Select); 5 bases into the intron after coding-DNA position 792, G replaced by C.
Molecular consequence: intron variant.
Genome position (GRCh38, 1-based): chr22:40,360,497, G>C. VCF-style: chr22-40360497-G-C. GRCh37 (hg19) VCF-style: chr22-40756501-G-C.
Other names: c.792+5G>C (NM_001363840.3, NM_001123378.3); c.600+5G>C (NM_001317923.2).
Identifiers: ClinVar variation 1420723 (VCV001420723.6), dbSNP rs761153103, ClinGen allele CA1025777329.
Genomic context (GRCh38, chr22:40,360,497, plus strand): 5'-AAGTGGATATTGAAGTACTGTCTGTGCTGGCTAGCTTGGGGGCATCAGTGCACAAGGTGA[G>C]TGGTGGCAGCATGTGGGGTGGGGACAGGAGCTTTGGGCACCACAGACAGACTGAATTAAC-3'